The following is an entry in ClinVar:

NM_003803.4(MYOM1):c.3158A>G (p.Asp1053Gly)

Gene: MYOM1 (myomesin 1; minus strand). Cytogenetic location: 18p11.31.
Variant type: single nucleotide variant.
Coding change: c.3158A>G on transcript NM_003803.4 (MANE Select); coding-DNA position 3158, A replaced by G.
Protein change: p.Asp1053Gly; replaces aspartic acid 1053 with glycine.
Molecular consequence: missense variant.
Genome position (GRCh38, 1-based): chr18:3,116,476, T>C on the plus strand (A>G on the coding strand, the complement: MYOM1 is on the minus strand). VCF-style: chr18-3116476-T-C. GRCh37 (hg19) VCF-style: chr18-3116474-T-C.
Other names: c.2870A>G, p.Asp957Gly (NM_019856.2); short protein forms D1053G, D957G.
Identifiers: ClinVar variation 1728250 (VCV001728250.2), dbSNP rs200545815, ClinGen allele CA8874392.

ClinVar aggregate classification (germline): Uncertain significance (1 of 4 stars; one submission).

Allele frequency attached by ClinVar (database versions not stated): 1000 Genomes Project 30x 0.00016; 1000 Genomes Project 0.00020.
gnomAD v4.1: 10 of 1,608,100 alleles (0.00062%); highest among the groups gnomAD compares: East Asian, 0.02%; no homozygotes.

Submission:

Ambry Genetics
Classification: Uncertain significance. Last evaluated: 2021-07-01. Review status: criteria provided, single submitter. Criteria: Ambry Variant Classification Scheme 2023. Collection method: clinical testing. Allele origin: germline.
Comment: The p.D1053G variant (also known as c.3158A>G), located in coding exon 20 of the MYOM1 gene, results from an A to G substitution at nucleotide position 3158. The aspartic acid at codon 1053 is replaced by glycine, an amino acid with similar properties. This amino acid position is conserved. In addition, this alteration is predicted to be tolerated by in silico analysis. Since supporting evidence is limited at this time, the clinical significance of this alteration remains unclear.